The following is an entry in ClinVar:

ClinVar aggregate classification (germline): Pathogenic. Review status: criteria provided, multiple submitters, no conflicts (2 of 4 stars). 2 submissions from 2 submitters: Pathogenic (2). Last evaluated 2023-09-01.

Conditions:
Familial cancer of breast. Also called: BREAST CANCER, FAMILIAL; hereditary breast carcinoma; Hereditary breast cancer. Identifiers: Orphanet 227535, MedGen C0346153, MONDO:0016419, OMIM 114480. Disease mechanism: loss of function.
Fanconi anemia complementation group J. Also called: BRIP1-Related Fanconi Anemia. Identifiers: Orphanet 84, MedGen C1836860, MONDO:0012187, OMIM 609054.

Submissions (2):

Labcorp Genetics (formerly Invitae), Labcorp
Classification: Pathogenic for Familial cancer of breast; Fanconi anemia complementation group J. Last evaluated: 2023-09-01. Review status: criteria provided, single submitter. Criteria: Invitae Variant Classification Sherloc (09022015). Collection method: clinical testing. Allele origin: germline.
Comment: This sequence change creates a premature translational stop signal (p.Asn429Lysfs*6) in the BRIP1 gene. It is expected to result in an absent or disrupted protein product. Loss-of-function variants in BRIP1 are known to be pathogenic (PMID: 16116423, 17033622, 21964575). For these reasons, this variant has been classified as Pathogenic. This variant has not been reported in the literature in individuals affected with BRIP1-related conditions. This variant is not present in population databases (gnomAD no frequency).

Myriad Genetics, Inc.
Classification: Pathogenic for Familial cancer of breast. Last evaluated: 2023-06-01. Review status: criteria provided, single submitter. Criteria: Myriad Autosomal Dominant, Autosomal Recessive and X-Linked Classification Criteria (2023). Collection method: clinical testing. Allele origin: unknown.
Comment: This variant is considered pathogenic. This variant creates a frameshift predicted to result in premature protein truncation.

Literature cited by the submitters: PubMed 16116423 (cited by Labcorp Genetics (formerly Invitae), Labcorp); PubMed 17033622 (cited by Labcorp Genetics (formerly Invitae), Labcorp); PubMed 21964575 (cited by Labcorp Genetics (formerly Invitae), Labcorp).

NM_032043.3(BRIP1):c.1287_1291del (p.Asn429fs)

Gene: BRIP1 (BRCA1 interacting DNA helicase 1; minus strand). Cytogenetic location: 17q23.2.
Variant type: Deletion.
Coding change: c.1287_1291del on transcript NM_032043.3 (MANE Select); coding-DNA positions 1287 to 1291, 5 bases deleted (TATAA; older notation c.1287_1291delTATAA).
Protein change: p.Asn429fs; shifts the reading frame from asparagine 429.
Molecular consequence: frameshift variant.
Genome position (GRCh38, 1-based): chr17:61,799,149-61,799,153, TTATA deleted on the plus strand (TATAA on the coding strand, the reverse complement: BRIP1 is on the minus strand); deleting any 5 consecutive bases within chr17:61,799,149-61,799,157 gives the same sequence; the c. name uses the placement nearest the transcript's 3' end. VCF-style (leftmost placement, unchanged base first): chr17-61799148-CTTATA-C. GRCh37 (hg19) VCF-style: chr17-59876509-CTTATA-C.
Other names: short protein forms N429fs.
Identifiers: ClinVar variation 2583734 (VCV002583734.5), dbSNP rs2545135451, ClinGen allele CA2582342224.